The following is an entry in ClinVar:

NM_017654.4(SAMD9):c.1663C>A (p.Pro555Thr)

Gene: SAMD9 (sterile alpha motif domain containing 9; minus strand). Cytogenetic location: 7q21.2.
Variant type: single nucleotide variant.
Coding change: c.1663C>A on transcript NM_017654.4 (MANE Select); coding-DNA position 1663, C replaced by A.
Protein change: p.Pro555Thr; replaces proline 555 with threonine.
Molecular consequence: missense variant.
Genome position (GRCh38, 1-based): chr7:93,104,435, G>T on the plus strand (C>A on the coding strand, the complement: SAMD9 is on the minus strand). VCF-style: chr7-93104435-G-T. GRCh37 (hg19) VCF-style: chr7-92733748-G-T.
Other names: c.1663C>A, p.Pro555Thr (NM_001193307.2); short protein forms P555T.
Identifiers: ClinVar variation 4863795 (VCV004863795.1).

ClinVar aggregate classification (germline): Uncertain significance (1 of 4 stars; one submission).

Conditions:
Inborn genetic diseases. Identifiers: MedGen C0950123, MeSH D030342.

Submission:

Ambry Genetics
Classification: Uncertain significance for Inborn genetic diseases. Last evaluated: 2026-04-04. Review status: criteria provided, single submitter. Criteria: Ambry Variant Classification Scheme 2023. Collection method: clinical testing. Allele origin: germline.
Comment: The p.P555T variant (also known as c.1663C>A), located in coding exon 1 of the SAMD9 gene, results from a C to A substitution at nucleotide position 1663. The proline at codon 555 is replaced by threonine, an amino acid with highly similar properties. This amino acid position is conserved. In addition, this alteration is predicted to be tolerated by in silico analysis. Based on the available evidence, the clinical significance of this variant remains unclear.